The following is an entry in ClinVar:

NM_015272.5(RPGRIP1L):c.709A>T (p.Arg237Trp)

Gene: RPGRIP1L (RPGRIP1 like; minus strand). Cytogenetic location: 16q12.2.
Variant type: single nucleotide variant.
Coding change: c.709A>T on transcript NM_015272.5 (MANE Select); coding-DNA position 709, A replaced by T.
Protein change: p.Arg237Trp; replaces arginine 237 with tryptophan.
Molecular consequence: missense variant.
Genome position (GRCh38, 1-based): chr16:53,686,500, T>A on the plus strand (A>T on the coding strand, the complement: RPGRIP1L is on the minus strand). VCF-style: chr16-53686500-T-A. GRCh37 (hg19) VCF-style: chr16-53720412-T-A.
Other names: c.709A>T (NM_015272.2, NM_015272.4); c.709A>T, p.Arg237Trp (NM_001127897.4, NM_001308334.3, NM_001330538.2); short protein forms R237W.
Identifiers: ClinVar variation 992044 (VCV000992044.8), dbSNP rs369055168, ClinGen allele CA8058044.

ClinVar aggregate classification (germline): Uncertain significance. Review status: criteria provided, multiple submitters, no conflicts (2 of 4 stars). 5 submissions from 5 submitters: Uncertain significance (4). 1 of the submissions does not count toward it. Last evaluated 2026-03-31.

Conditions:
RPGRIP1L-related disorder. Also called: RPGRIP1L-related condition; RPGRIP1L-related disorders. Identifiers: MedGen CN239416.
Joubert syndrome 7 (JBTS7). Identifiers: Orphanet 220497, MedGen C1969053, MONDO:0012694, OMIM 611560.
Meckel syndrome, type 5 (MKS5). Identifiers: Orphanet 564, MedGen C1969052, MONDO:0012695, OMIM 611561.
COACH syndrome 3. Identifiers: MedGen C5436841, MONDO:0030862, OMIM 619113.
Joubert syndrome. Also called: Familial aplasia of the vermis; JOUBERT-BOLTSHAUSER SYNDROME. Identifiers: Orphanet 475, MedGen C5979921, MONDO:0018772.
Meckel-Gruber syndrome. Also called: GRUBER SYNDROME; Dysencephalia splachnocystica; DYSENCEPHALIA SPLANCHNOCYSTICA. Identifiers: Orphanet 564, MedGen C0265215, MONDO:0018921.

Allele frequency attached by ClinVar (database versions not stated): ExAC 0.00002; gnomAD exomes 0.00002 and 0.00004; TOPMed 0.00003; gnomAD 0.00004 and 0.00007; ESP Exome Variant Server 0.00008; 1000 Genomes Project 30x 0.00016; 1000 Genomes Project 0.00020.
gnomAD v4.1: 75 of 1,613,704 alleles (0.0046%); highest among the groups gnomAD compares: South Asian, 0.016%; no homozygotes.

Submissions (5):

PreventionGenetics, part of Exact Sciences
Classification: Uncertain significance for RPGRIP1L-related condition. Last evaluated: 2026-03-31. Review status: criteria provided, single submitter. Criteria: ACMG Guidelines, 2015. Collection method: clinical testing. Allele origin: germline.
Comment: The RPGRIP1L c.709A>T variant is predicted to result in the amino acid substitution p.Arg237Trp. To our knowledge, this variant has not been reported in the literature. This variant is reported in 0.0065% of alleles in individuals of South Asian descent in gnomAD. At this time, the clinical significance of this variant is uncertain due to the absence of conclusive functional and genetic evidence.

Fulgent Genetics
Classification: Uncertain significance for Joubert syndrome 7; Meckel syndrome, type 5; COACH syndrome 3. Last evaluated: 2024-02-16. Review status: criteria provided, single submitter. Criteria: ACMG Guidelines, 2015. Collection method: clinical testing. Allele origin: germline.

Labcorp Genetics (formerly Invitae), Labcorp
Classification: Uncertain significance for Joubert syndrome; Meckel-Gruber syndrome. Last evaluated: 2022-10-25. Review status: criteria provided, single submitter. Criteria: Invitae Variant Classification Sherloc (09022015). Collection method: clinical testing. Allele origin: germline.
Comment: This sequence change replaces arginine, which is basic and polar, with tryptophan, which is neutral and slightly polar, at codon 237 of the RPGRIP1L protein (p.Arg237Trp). This variant is present in population databases (rs369055168, gnomAD 0.01%). This variant has not been reported in the literature in individuals affected with RPGRIP1L-related conditions. ClinVar contains an entry for this variant (Variation ID: 992044). Advanced modeling of protein sequence and biophysical properties (such as structural, functional, and spatial information, amino acid conservation, physicochemical variation, residue mobility, and thermodynamic stability) performed at Invitae indicates that this missense variant is expected to disrupt RPGRIP1L protein function. In summary, the available evidence is currently insufficient to determine the role of this variant in disease. Therefore, it has been classified as a Variant of Uncertain Significance.

GeneDx
Classification: Uncertain significance. Last evaluated: 2020-01-21. Review status: criteria provided, single submitter. Criteria: GeneDx Variant Classification Process June 2021. Collection method: clinical testing. Allele origin: germline. Affected: yes.
Comment: Not observed at a significant frequency in large population cohorts (Lek et al., 2016); In silico analysis, which includes protein predictors and evolutionary conservation, supports that this variant does not alter protein structure/function; Has not been previously published as pathogenic or benign to our knowledge

Natera, Inc.
Classification: Uncertain significance for Joubert syndrome. Last evaluated: 2020-04-24. Review status: no assertion criteria provided. Collection method: clinical testing. Allele origin: germline. Not counted in ClinVar's aggregate classification.